The following is an entry in ClinVar:

ClinVar aggregate classification (germline): Likely pathogenic. Review status: criteria provided, multiple submitters, no conflicts (2 of 4 stars). 4 submissions from 4 submitters: Likely pathogenic (4). Last evaluated 2025-03-31.

Conditions:
Melanoma and neural system tumor syndrome. Also called: MELANOMA-ASTROCYTOMA SYNDROME. Identifiers: Orphanet 252206, MedGen C1835042, MONDO:0007967, OMIM 155755.
Familial melanoma. Also called: Hereditary melanoma; Hereditary cutaneous melanoma. Identifiers: Orphanet 618, MedGen C1512419, MONDO:0018961.
Hereditary cancer-predisposing syndrome. Also called: Tumor predisposition; Hereditary Cancer Syndrome; Hereditary neoplastic syndrome; Neoplastic Syndromes, Hereditary. Identifiers: Orphanet 140162, MedGen C0027672, MeSH D009386, MONDO:0015356.

Allele frequency attached by ClinVar (database versions not stated): TOPMed below 0.00001.

Submissions (4):

Labcorp Genetics (formerly Invitae), Labcorp
Classification: Likely pathogenic for Familial melanoma. Last evaluated: 2025-03-31. Review status: criteria provided, single submitter. Criteria: Invitae Variant Classification Sherloc (09022015). Collection method: clinical testing. Allele origin: germline.
Comment: This sequence change replaces glycine, which is neutral and non-polar, with serine, which is neutral and polar, at codon 23 of the CDKN2A (p16INK4a) protein (p.Gly23Ser). This variant is not present in population databases (gnomAD no frequency). This missense change has been observed in individual(s) with cutaneous melanoma (PMID: 16234564, 16896043, 17992122, 21462282, 26223839, 28830827, 31382929). It has also been observed to segregate with disease in related individuals. ClinVar contains an entry for this variant (Variation ID: 429108). An algorithm developed to predict the effect of missense changes on protein structure and function (PolyPhen-2) suggests that this variant is likely to be disruptive. Experimental studies have shown that this missense change affects CDKN2A (p16INK4a) function (PMID: 24659262). This variant disrupts the p.Gly23 amino acid residue in CDKN2A (p16INK4a). Other variant(s) that disrupt this residue have been determined to be pathogenic (PMID: 9856841, 16234564, 17167857, 24659262, 26775776, 27267843, 28830827, 29661971; internal data). This suggests that this residue is clinically significant, and that variants that disrupt this residue are likely to be disease-causing. In summary, the currently available evidence indicates that the variant is pathogenic, but additional data are needed to prove that conclusively. Therefore, this variant has been classified as Likely Pathogenic.

Ambry Genetics
Classification: Likely pathogenic for Hereditary cancer-predisposing syndrome. Last evaluated: 2024-05-23. Review status: criteria provided, single submitter. Criteria: Ambry Variant Classification Scheme 2023. Collection method: clinical testing. Allele origin: germline.
Comment: The p.G23S variant (also known as c.67G>A), located in coding exon 1 of the CDKN2A gene, results from a G to A substitution at nucleotide position 67. The glycine at codon 23 is replaced by serine, an amino acid with similar properties. This alteration has been seen in multiple individuals and families with melanoma and has been reported as an Italian founder mutation based on location in a functionally important domain of the protein, strong segregation analyses and haplotype analyses showing one common ancestral origin (Begg CB et al. J. Natl. Cancer Inst. 2005 Oct;97(20):1507-15; Gensini F et al. Melanoma Res. 2007 Dec;17(6):387-92; Bruno W. J Am Acad Dermatol . 2016 Feb;74(2):325-32;Taylor NJ et al. J. Invest. Dermatol., 2017 12;137:2606-2612; Casula M et al. BMC Cancer, 2019 Aug;19:772; Ambry internal data). In addition, structural analysis predicts that the p.G23S variant results in severe perturbation of the protein, likely resulting in misfolding and loss of binding (Ambry internal data). This amino acid position is highly conserved in available vertebrate species. In addition, the in silico prediction for this alteration is inconclusive. This variant is considered to be rare based on population cohorts in the Genome Aggregation Database (gnomAD). Based on the majority of available evidence to date, this variant is likely to be pathogenic.

GeneDx
Classification: Likely pathogenic. Last evaluated: 2023-11-14. Review status: criteria provided, single submitter. Criteria: GeneDx Variant Classification Process June 2021. Collection method: clinical testing. Allele origin: germline.
Comment: Observed in multiple families with melanoma, and suggested to be a founder variant in Central Italy (PMID: 16234564, 17992122, 28830827, 31382929); Published functional studies are inconclusive: variant demonstrated an intermediate effect in an in vitro proliferation assay (PMID: 24659262); Not observed at significant frequency in large population cohorts (gnomAD); In silico analysis supports that this missense variant has a deleterious effect on protein structure/function; This variant is associated with the following publications: (PMID: 16234564, 28830827, 31382929, 28440912, 17218939, 28508593, 17992122, 33237286, 37443295, 21462282, 16896043, 26223839, 24659262)

Baylor Genetics
Classification: Likely pathogenic for Melanoma and neural system tumor syndrome. Last evaluated: 2022-06-10. Review status: criteria provided, single submitter. Criteria: ACMG Guidelines, 2015. Collection method: clinical testing. Allele origin: unknown.

Literature cited by the submitters: PubMed 16234564 (cited by Labcorp Genetics (formerly Invitae), Labcorp); PubMed 16896043 (cited by Labcorp Genetics (formerly Invitae), Labcorp); PubMed 17992122 (cited by Labcorp Genetics (formerly Invitae), Labcorp); PubMed 21462282 (cited by Labcorp Genetics (formerly Invitae), Labcorp); PubMed 26223839 (cited by Labcorp Genetics (formerly Invitae), Labcorp); PubMed 28830827 (cited by Labcorp Genetics (formerly Invitae), Labcorp and Ambry Genetics); PubMed 31382929 (cited by Labcorp Genetics (formerly Invitae), Labcorp and Ambry Genetics); PubMed 24659262 (cited by Labcorp Genetics (formerly Invitae), Labcorp); PubMed 9856841 (cited by Labcorp Genetics (formerly Invitae), Labcorp); PubMed 17167857 (cited by Labcorp Genetics (formerly Invitae), Labcorp); PubMed 26775776 (cited by Labcorp Genetics (formerly Invitae), Labcorp and Ambry Genetics); PubMed 27267843 (cited by Labcorp Genetics (formerly Invitae), Labcorp); PubMed 29661971 (cited by Labcorp Genetics (formerly Invitae), Labcorp).

NM_000077.5(CDKN2A):c.67G>A (p.Gly23Ser)

Gene: CDKN2A (cyclin dependent kinase inhibitor 2A; minus strand). Cytogenetic location: 9p21.3.
Variant type: single nucleotide variant.
Coding change: c.67G>A on transcript NM_000077.5; coding-DNA position 67, G replaced by A.
Protein change: p.Gly23Ser; replaces glycine 23 with serine.
Molecular consequence: missense variant (on NM_000077.6). On other transcripts: intron variant (2).
Genome position (GRCh38, 1-based): chr9:21,974,761, C>T on the plus strand (G>A on the coding strand, the complement: CDKN2A is on the minus strand). VCF-style: chr9-21974761-C-T. GRCh37 (hg19) VCF-style: chr9-21974760-C-T.
Other names: c.67G>A, p.Gly23Ser (NM_000077.6, NM_001195132.2, NM_058197.5); c.-3-3553G>A (NM_001363763.2); c.194-3553G>A (NM_058195.4); short protein forms G23S.
Identifiers: ClinVar variation 429108 (VCV000429108.14), dbSNP rs1131691186, ClinGen allele CA373086621.